The following is an entry in ClinVar:

NM_020800.3(IFT80):c.760T>G (p.Leu254Val)

Genes: IFT80 (intraflagellar transport 80; minus strand), TRIM59-IFT80 (TRIM59-IFT80 readthrough (NMD candidate); minus strand). Cytogenetic location: 3q25.33.
Variant type: single nucleotide variant.
Coding change: c.760T>G on transcript NM_020800.3 (MANE Select); coding-DNA position 760, T replaced by G.
Protein change: p.Leu254Val; replaces leucine 254 with valine.
Molecular consequence: missense variant. On other transcripts: non-coding transcript variant (3).
Genome position (GRCh38, 1-based): chr3:160,356,030, A>C on the plus strand (T>G on the coding strand, the complement: IFT80 is on the minus strand). VCF-style: chr3-160356030-A-C. GRCh37 (hg19) VCF-style: chr3-160073818-A-C.
Other names: c.349T>G, p.Leu117Val (NM_001190241.2, NM_001190242.2); short protein forms L117V, L254V.
Identifiers: ClinVar variation 1997768 (VCV001997768.4), dbSNP rs2473420063, ClinGen allele CA355192712.

ClinVar aggregate classification (germline): Uncertain significance (1 of 4 stars; one submission).

Conditions:
Jeune thoracic dystrophy. Also called: Jeune syndrome; Infantile thoracic dystrophy; Thoracic pelvic phalangeal dystrophy; Jeune's syndrome; Chondroectodermal dysplasia-like syndrome; Short-rib thoracic dysplasia. Identifiers: Orphanet 474, MedGen C0265275, MONDO:0018770.

Allele frequency attached by ClinVar (database versions not stated): gnomAD exomes below 0.00001.
gnomAD v4.1: 2 of 1,614,106 alleles (0.00012%); highest among the groups gnomAD compares: Non-Finnish European, 0.00017%; no homozygotes.

Submission:

Labcorp Genetics (formerly Invitae), Labcorp
Classification: Uncertain significance for Jeune thoracic dystrophy. Last evaluated: 2022-05-21. Review status: criteria provided, single submitter. Criteria: Invitae Variant Classification Sherloc (09022015). Collection method: clinical testing. Allele origin: germline.
Comment: In summary, the available evidence is currently insufficient to determine the role of this variant in disease. Therefore, it has been classified as a Variant of Uncertain Significance. Algorithms developed to predict the effect of missense changes on protein structure and function (SIFT, PolyPhen-2, Align-GVGD) all suggest that this variant is likely to be disruptive. This variant has not been reported in the literature in individuals affected with IFT80-related conditions. This variant is not present in population databases (gnomAD no frequency). This sequence change replaces leucine, which is neutral and non-polar, with valine, which is neutral and non-polar, at codon 254 of the IFT80 protein (p.Leu254Val).